The following is an entry in ClinVar:

ClinVar aggregate classification (germline): Uncertain significance (1 of 4 stars; one submission).

Conditions:
Agammaglobulinemia 2, autosomal recessive (AGM2). Also called: AGAMMAGLOBULINEMIA, AUTOSOMAL RECESSIVE, DUE TO IGLL1 DEFECT. Identifiers: MedGen C3150750, MONDO:0013287, OMIM 613500.

Allele frequency attached by ClinVar (database versions not stated): ExAC 0.00001; gnomAD 0.00001; gnomAD exomes 0.00001; TOPMed 0.00001.

Submission:

Labcorp Genetics (formerly Invitae), Labcorp
Classification: Uncertain significance for Agammaglobulinemia 2, autosomal recessive. Last evaluated: 2024-06-13. Review status: criteria provided, single submitter. Criteria: Invitae Variant Classification Sherloc (09022015). Collection method: clinical testing. Allele origin: germline.
Comment: This sequence change replaces phenylalanine, which is neutral and non-polar, with tyrosine, which is neutral and polar, at codon 119 of the IGLL1 protein (p.Phe119Tyr). This variant is present in population databases (rs200726723, gnomAD 0.002%). This variant has not been reported in the literature in individuals affected with IGLL1-related conditions. An algorithm developed to predict the effect of missense changes on protein structure and function (PolyPhen-2) suggests that this variant is likely to be disruptive. In summary, the available evidence is currently insufficient to determine the role of this variant in disease. Therefore, it has been classified as a Variant of Uncertain Significance.

NM_020070.4(IGLL1):c.356T>A (p.Phe119Tyr)

Gene: IGLL1 (immunoglobulin lambda like polypeptide 1; minus strand). Cytogenetic location: 22q11.23.
Variant type: single nucleotide variant.
Coding change: c.356T>A on transcript NM_020070.4 (MANE Select); coding-DNA position 356, T replaced by A.
Protein change: p.Phe119Tyr; replaces phenylalanine 119 with tyrosine.
Molecular consequence: missense variant. On other transcripts: synonymous variant (1).
Genome position (GRCh38, 1-based): chr22:23,573,552, A>T on the plus strand (T>A on the coding strand, the complement: IGLL1 is on the minus strand). VCF-style: chr22-23573552-A-T. GRCh37 (hg19) VCF-style: chr22-23915739-A-T.
Other names: c.359T>A, p.Phe120Tyr (NM_001369906.1); c.240T>A, p.Val80= (NM_152855.3); short protein forms F119Y, F120Y.
Identifiers: ClinVar variation 2857229 (VCV002857229.3), dbSNP rs200726723, ClinGen allele CA10143296.